The following is an entry in ClinVar:

ClinVar aggregate classification (germline): Uncertain significance (1 of 4 stars; one submission).

Submission:

Women's Health and Genetics/Laboratory Corporation of America, LabCorp
Classification: Uncertain significance. Last evaluated: 2024-05-28. Review status: criteria provided, single submitter. Criteria: LabCorp Variant Classification Summary - May 2015. Collection method: clinical testing. Allele origin: germline.
Comment: Variant summary: The variant involves the duplication of exons 1-14 in the ASAH1 gene. A presumed nomenclature of c.(?_-50)_(*1543_?)dup has been designated for the purposes of this classification. This duplication includes the entire coding sequence of the gene. As exact breakpoints are unknown, it may extend beyond the annotated region of the gene, to include other flanking genes. Multiple large duplication variants which cover the ASAH1 gene together with flanking DNA regions have been reported with low allele frequencies in the gnomAD database (SVs v4.1 and CNVs 4.1 datasets), e.g. a large duplication (size: ~245 kbp) was found at a frequency of 1.6e-05 in 123604 control chromosomes (i.e. 2 heterozygous carriers). The available data on variant occurrences in the general population are insufficient to allow any conclusion about variant significance. To our knowledge, no occurrence of c.(?_-50)_(*1543_?)dup in individuals affected with Spinal Muscular Atrophy With Progressive Myoclonic Epilepsy and no experimental evidence demonstrating its impact on protein function have been reported. ClinVar contains an entry for this variant (Variation ID: 1448298). Based on the evidence outlined above, the variant was classified as uncertain significance.

NC_000008.10:g.(?_17913500)_(17941617_?)dup

Gene: ASAH1 (N-acylsphingosine amidohydrolase 1; minus strand). Cytogenetic location: 8p22.
Variant type: Duplication.
Identifiers: ClinVar variation 3336358 (VCV003336358.1).